The following is an entry in ClinVar:

NM_001042432.2(CLN3):c.597C>A (p.Tyr199Ter)

Gene: CLN3 (CLN3 lysosomal/endosomal transmembrane protein, battenin; minus strand). Cytogenetic location: 16p12.1.
Variant type: single nucleotide variant.
Coding change: c.597C>A on transcript NM_001042432.2 (MANE Select); coding-DNA position 597, C replaced by A.
Protein change: p.Tyr199Ter; replaces tyrosine 199 with a stop codon.
Molecular consequence: nonsense.
Genome position (GRCh38, 1-based): chr16:28,486,427, G>T on the plus strand (C>A on the coding strand, the complement: CLN3 is on the minus strand). VCF-style: chr16-28486427-G-T. GRCh37 (hg19) VCF-style: chr16-28497748-G-T.
Other names: c.597C>A, p.Tyr199Ter (NM_000086.2); c.525C>A, p.Tyr175Ter (NM_001286104.2); c.297C>A, p.Tyr99Ter (NM_001286105.2); c.363C>A, p.Tyr121Ter (NM_001286109.2); c.435C>A, p.Tyr145Ter (NM_001286110.2); short protein forms Y199*, Y145*, Y121*, Y99*, Y175*.
Identifiers: ClinVar variation 3557 (VCV000003557.21), dbSNP rs267606737, ClinGen allele CA116348.

ClinVar aggregate classification (germline): Pathogenic. Review status: criteria provided, multiple submitters, no conflicts (2 of 4 stars). 12 submissions from 12 submitters: Pathogenic (10). 2 of the submissions do not count toward it. Last evaluated 2025-12-14.

Conditions:
CLN3-related disorder. Also called: CLN3-related condition. Identifiers: MedGen CN382248.
CLN3-related disorders.
Juvenile neuronal ceroid lipofuscinosis. Also called: Batten Disease. Identifiers: Orphanet 79264, MedGen CN293564, MONDO:0019262.
Neuronal ceroid lipofuscinosis. Also called: Neuronal Ceroid Lipofuscinoses. Identifiers: Orphanet 216, Orphanet 79263, MedGen C0027877, MONDO:0016295. Disease mechanism: loss of function.
Neuronal ceroid lipofuscinosis 3 (CLN3). Identifiers: Orphanet 228346, MedGen C0751383, MONDO:0008767, OMIM 204200.
CEROID LIPOFUSCINOSIS, NEURONAL, 3, PROTRACTED. Identifiers: MedGen C4017059.

Allele frequency attached by ClinVar (database versions not stated): gnomAD exomes below 0.00001; ExAC 0.00001.
gnomAD v4.1: 1 of 1,613,482 alleles (0.000062%); highest among the groups gnomAD compares: Non-Finnish European, 0.000085%; no homozygotes.

Submissions (12):

Labcorp Genetics (formerly Invitae), Labcorp
Classification: Pathogenic for Neuronal ceroid lipofuscinosis. Last evaluated: 2025-12-14. Review status: criteria provided, single submitter. Criteria: Invitae Variant Classification Sherloc (09022015). Collection method: clinical testing. Allele origin: germline.
Comment: This sequence change creates a premature translational stop signal (p.Tyr199*) in the CLN3 gene. It is expected to result in an absent or disrupted protein product. Loss-of-function variants in CLN3 are known to be pathogenic (PMID: 9311735, 28542676). This variant is present in population databases (rs267606737, gnomAD 0.0009%). This premature translational stop signal has been observed in individuals with protracted juvenile neuronal ceroid lipofuscinosis (PMID: 19489875, 22013180). It has also been observed to segregate with disease in related individuals. ClinVar contains an entry for this variant (Variation ID: 3557). For these reasons, this variant has been classified as Pathogenic.

PreventionGenetics, part of Exact Sciences
Classification: Pathogenic for CLN3-related condition. Last evaluated: 2025-10-27. Review status: criteria provided, single submitter. Criteria: ACMG Guidelines, 2015. Collection method: clinical testing. Allele origin: germline.
Comment: The CLN3 c.597C>A variant is predicted to result in premature protein termination (p.Tyr199*). This variant has been documented in the homozygous state as causative for autosomal recessive neuronal ceroid lipofuscinosis, and segregated with disease in five affected family members (Sarpong et al 2009. PubMed ID: 19489875). This variant is reported in 0.00090% of alleles in individuals of European (Non-Finnish) descent in gnomAD. Nonsense variants in CLN3 are expected to be pathogenic. This variant is interpreted as pathogenic.

3billion
Classification: Pathogenic for Neuronal ceroid lipofuscinosis 3. Last evaluated: 2025-08-18. Review status: criteria provided, single submitter. Criteria: ACMG Guidelines, 2015. Collection method: clinical testing. Allele origin: germline. Affected: yes.
Comment: The variant is observed at an extremely low frequency in the gnomAD v4.1.0 dataset (total allele frequency: <0.001%). Predicted Consequence/Location: Stop-gained (nonsense): predicted to result in a loss or disruption of normal protein function through nonsense-mediated decay (NMD) or protein truncation. Multiple pathogenic variants are reported downstream of the variant. The variant has been reported at least twice as pathogenic with clinical assertions and evidence for the classification (ClinVar ID: VCV000003557 /PMID: 19489875 /3billion dataset). Therefore, this variant is classified as Pathogenic according to the recommendation of ACMG/AMP guideline.

Natera, Inc.
Classification: Pathogenic for Batten Disease. Last evaluated: 2025-07-23. Review status: criteria provided, single submitter. Criteria: Natera Variant Classification Schema (03/2026). Collection method: clinical testing. Allele origin: germline.
Comment: The c.597C>A variant in CLN3 is a nonsense variant predicted to introduce a stop codon at amino acid 199. This variant is expected to result in nonsense mediated decay, truncation, or a dysfunctional protein product. This variant is rare in the general population with a frequency below the threshold expected for the associated phenotype(s). This variant has been observed in one or more individuals affected with the associated recessive disease, as either homozygous or compound heterozygous with a second variant (PMID: 19489875, 22013180). Given the available evidence, this variant is classified as Pathogenic.

Fulgent Genetics
Classification: Pathogenic for Neuronal ceroid lipofuscinosis 3. Last evaluated: 2024-02-14. Review status: criteria provided, single submitter. Criteria: ACMG Guidelines, 2015. Collection method: clinical testing. Allele origin: germline.

Baylor Genetics
Classification: Pathogenic for Neuronal ceroid lipofuscinosis 3. Last evaluated: 2023-09-21. Review status: criteria provided, single submitter. Criteria: ACMG Guidelines, 2015. Collection method: clinical testing. Allele origin: unknown.

Genome-Nilou Lab
Classification: Pathogenic for Neuronal ceroid lipofuscinosis 3. Last evaluated: 2021-08-10. Review status: criteria provided, single submitter. Criteria: ACMG Guidelines, 2015. Collection method: clinical testing. Allele origin: germline. Affected: no.

Blueprint Genetics
Classification: Pathogenic for CLN3-related disorders. Last evaluated: 2020-02-05. Review status: criteria provided, single submitter. Criteria: ACMG Guidelines, 2015. Collection method: clinical testing. Allele origin: germline. Affected: yes. Observed: 3 variant alleles.

GeneDx
Classification: Pathogenic. Last evaluated: 2019-01-03. Review status: criteria provided, single submitter. Criteria: GeneDx Variant Classification (06012015). Collection method: clinical testing. Allele origin: germline. Affected: yes.
Comment: The Y199X nonsense variant in the CLN3 gene has been reported previously in the homozygous state in five siblings with juvenile neuronal ceroid lipofuscinosis (Sarpong et al., 2009). This pathogenic variant is predicted to cause loss of normal protein function either through protein truncation or nonsense-mediated mRNA decay. The Y199X variant is not observed at a significant frequency in large population cohorts (Lek et al., 2016). Therefore, Y199X is considered a pathogenic variant.

Athena Diagnostics
Classification: Pathogenic. Last evaluated: 2018-11-14. Review status: criteria provided, single submitter. Criteria: Athena Diagnostics Criteria. Collection method: clinical testing. Allele origin: germline.
Comment: The variant creates a premature nonsense codon, and is therefore predicted to result in the loss of a functional protein. Found in at least one symptomatic patient, and found in general population data that is consistent with pathogenicity. Very strong co-segregation with disease in affected individuals from a single family.

Counsyl
Classification: Likely pathogenic for Juvenile neuronal ceroid lipofuscinosis. Last evaluated: 2014-11-06. Review status: no assertion criteria provided. Collection method: literature only. Allele origin: unknown. Inheritance: Autosomal recessive inheritance. Not counted in ClinVar's aggregate classification.

OMIM
Classification: Pathogenic for CEROID LIPOFUSCINOSIS, NEURONAL, 3, PROTRACTED. Last evaluated: 2009-07-01. Review status: no assertion criteria provided. Collection method: literature only. Allele origin: germline. Not counted in ClinVar's aggregate classification.

Literature cited by the submitters: PubMed 9311735 (cited by Labcorp Genetics (formerly Invitae), Labcorp); PubMed 28542676 (cited by Labcorp Genetics (formerly Invitae), Labcorp and Athena Diagnostics); PubMed 19489875 (cited by 6 submitters); PubMed 22013180 (cited by 3 submitters); PubMed 29343940 (cited by Athena Diagnostics); PubMed 23847139 (cited by Athena Diagnostics); PubMed 21499717 (cited by Athena Diagnostics); PubMed 22748208 (cited by Athena Diagnostics); PubMed 21990111 (cited by Counsyl); PubMed 22545070 (cited by Counsyl).